The following is an entry in ClinVar:

ClinVar aggregate classification (germline): Uncertain significance (1 of 4 stars; one submission).

Conditions:
Hereditary cancer-predisposing syndrome. Also called: Neoplastic Syndromes, Hereditary; Tumor predisposition; Hereditary Cancer Syndrome; Hereditary neoplastic syndrome. Identifiers: Orphanet 140162, MedGen C0027672, MeSH D009386, MONDO:0015356.

Submission:

Ambry Genetics
Classification: Uncertain significance for Hereditary cancer-predisposing syndrome. Last evaluated: 2025-12-21. Review status: criteria provided, single submitter. Criteria: Ambry Variant Classification Scheme 2023. Collection method: clinical testing. Allele origin: germline.
Comment: The p.S293R variant (also known as c.879C>G), located in coding exon 3 of the PHOX2B gene, results from a C to G substitution at nucleotide position 879. The serine at codon 293 is replaced by arginine, an amino acid with dissimilar properties. This amino acid position is conserved. In addition, the in silico prediction for this alteration is inconclusive. Based on the available evidence, the clinical significance of this variant remains unclear.

NM_003924.4(PHOX2B):c.879C>G (p.Ser293Arg)

Gene: PHOX2B (paired like homeobox 2B; minus strand). Cytogenetic location: 4p13.
Variant type: single nucleotide variant.
Coding change: c.879C>G on transcript NM_003924.4 (MANE Select); coding-DNA position 879, C replaced by G.
Protein change: p.Ser293Arg; replaces serine 293 with arginine.
Molecular consequence: missense variant.
Genome position (GRCh38, 1-based): chr4:41,745,873, G>C on the plus strand (C>G on the coding strand, the complement: PHOX2B is on the minus strand). VCF-style: chr4-41745873-G-C. GRCh37 (hg19) VCF-style: chr4-41747890-G-C.
Other names: short protein forms S293R.
Identifiers: ClinVar variation 4842495 (VCV004842495.1).